The following is an entry in ClinVar:

NM_000368.5(TSC1):c.296_297del (p.Leu99fs)

Gene: TSC1 (TSC complex subunit 1; minus strand). Cytogenetic location: 9q34.13.
Variant type: Deletion.
Coding change: c.296_297del on transcript NM_000368.5 (MANE Select); coding-DNA positions 296 to 297, 2 bases deleted (TG; older notation c.296_297delTG).
Protein change: p.Leu99fs; shifts the reading frame from leucine 99.
Molecular consequence: frameshift variant. On other transcripts: 5 prime UTR variant (18), non-coding transcript variant (5), intron variant (5).
Genome position (GRCh38, 1-based): chr9:132,925,653-132,925,654, CA deleted on the plus strand (TG on the coding strand, the reverse complement: TSC1 is on the minus strand). VCF-style (leftmost placement, unchanged base first): chr9-132925652-GCA-G. GRCh37 (hg19) VCF-style: chr9-135801039-GCA-G.
Other names: c.296_297del, p.Leu99fs (NM_001162426.2, NM_001406592.1, NM_001406593.1 and 16 more transcripts); c.-68_-67del (NM_001362177.2, NM_001406617.1, NM_001406618.1 and 5 more transcripts); c.-160_-159del (NM_001406614.1, NM_001406616.1, NM_001406624.1); c.-193_-192del (NM_001406615.1, NM_001406623.1); c.-582_-581del (NM_001406626.1, NM_001406627.1, NM_001406628.1); c.-724_-723del (NM_001406629.1); c.-798_-797del (NM_001406630.1); c.210+1547_210+1548del (NM_001406613.1, NM_001406612.1, NM_001406610.1 and 2 more transcripts); short protein forms L99fs.
Identifiers: ClinVar variation 2851179 (VCV002851179.3), dbSNP rs2539073996, ClinGen allele CA2739265170.

ClinVar aggregate classification (germline): Pathogenic (1 of 4 stars; one submission).

Conditions:
Tuberous sclerosis 1 (TSC1). Identifiers: Orphanet 805, MedGen C1854465, MONDO:0008612, OMIM 191100.

Submission:

Labcorp Genetics (formerly Invitae), Labcorp
Classification: Pathogenic for Tuberous sclerosis 1. Last evaluated: 2023-03-31. Review status: criteria provided, single submitter. Criteria: Invitae Variant Classification Sherloc (09022015). Collection method: clinical testing. Allele origin: germline.
Comment: This sequence change creates a premature translational stop signal (p.Leu99Profs*7) in the TSC1 gene. It is expected to result in an absent or disrupted protein product. Loss-of-function variants in TSC1 are known to be pathogenic (PMID: 10227394, 17304050). This variant is not present in population databases (gnomAD no frequency). This variant has not been reported in the literature in individuals affected with TSC1-related conditions. For these reasons, this variant has been classified as Pathogenic.

Literature cited by the submitters: PubMed 10227394; PubMed 17304050.